The following is an entry in ClinVar:

NM_001083962.2(TCF4):c.1694G>A (p.Arg565His)

Gene: TCF4 (transcription factor 4; minus strand). Cytogenetic location: 18q21.2.
Variant type: single nucleotide variant.
Coding change: c.1694G>A on transcript NM_001083962.2 (MANE Select); coding-DNA position 1694, G replaced by A.
Protein change: p.Arg565His; replaces arginine 565 with histidine.
Molecular consequence: missense variant.
Genome position (GRCh38, 1-based): chr18:55,229,032, C>T on the plus strand (G>A on the coding strand, the complement: TCF4 is on the minus strand). VCF-style: chr18-55229032-C-T. GRCh37 (hg19) VCF-style: chr18-52896263-C-T.
Other names: c.1694G>A, p.Arg565His (NM_001369568.1, NM_001369567.1); c.1691G>A, p.Arg564His (NM_001369569.1, NM_001369570.1, NM_001330604.3); c.2000G>A, p.Arg667His (NM_001243226.3); c.1622G>A, p.Arg541His (NM_001243227.2, NM_001348217.1, NM_001348218.2 and 1 more transcripts); c.1712G>A, p.Arg571His (NM_001243228.2); c.1673G>A, p.Arg558His (NM_001243230.2); c.1556G>A, p.Arg519His (NM_001243231.2); c.1481G>A, p.Arg494His (NM_001243232.1); and 14 more; short protein forms R349H, R400H, R405H, R490H, R519H, R523H, R537H, R540H.
Identifiers: ClinVar variation 2835744 (VCV002835744.3), dbSNP rs2511500439, ClinGen allele CA402529065.

ClinVar aggregate classification (germline): Uncertain significance (1 of 4 stars; one submission).

Conditions:
Pitt-Hopkins syndrome (PTHS). Also called: ENCEPHALOPATHY, SEVERE EPILEPTIC, WITH AUTONOMIC DYSFUNCTION; MENTAL RETARDATION, SYNDROMAL, WITH INTERMITTENT HYPERVENTILATION. Identifiers: Orphanet 2896, MedGen C1970431, MONDO:0012589, OMIM 610954.

Allele frequency attached by ClinVar (database versions not stated): gnomAD exomes below 0.00001.
gnomAD v4.1: 1 of 1,614,188 alleles (0.000062%); highest among the groups gnomAD compares: Non-Finnish European, 0.000085%; no homozygotes.

Submission:

Labcorp Genetics (formerly Invitae), Labcorp
Classification: Uncertain significance for Pitt-Hopkins syndrome. Last evaluated: 2023-02-09. Review status: criteria provided, single submitter. Criteria: Invitae Variant Classification Sherloc (09022015). Collection method: clinical testing. Allele origin: germline.
Comment: This variant has not been reported in the literature in individuals affected with TCF4-related conditions. This variant is not present in population databases (gnomAD no frequency). This sequence change replaces arginine, which is basic and polar, with histidine, which is basic and polar, at codon 565 of the TCF4 protein (p.Arg565His). Advanced modeling of protein sequence and biophysical properties (such as structural, functional, and spatial information, amino acid conservation, physicochemical variation, residue mobility, and thermodynamic stability) performed at Invitae indicates that this missense variant is expected to disrupt TCF4 protein function. In summary, the available evidence is currently insufficient to determine the role of this variant in disease. Therefore, it has been classified as a Variant of Uncertain Significance.